The following is an entry in ClinVar:

ClinVar aggregate classification (germline): Uncertain significance. Review status: criteria provided, multiple submitters, no conflicts (2 of 4 stars). 2 submissions from 2 submitters: Uncertain significance (2). Last evaluated 2026-06-11.

Conditions:
Inborn genetic diseases. Identifiers: MedGen C0950123, MeSH D030342.

Allele frequency attached by ClinVar (database versions not stated): gnomAD exomes below 0.00001; gnomAD 0.00002; TOPMed 0.00002.
gnomAD v4.1: 4 of 1,568,882 alleles (0.00025%); highest among the groups gnomAD compares: African/African-American, 0.0041%; no homozygotes.

Submissions (2):

Ambry Genetics
Classification: Uncertain significance for Inborn genetic diseases. Last evaluated: 2026-06-11. Review status: criteria provided, single submitter. Criteria: Ambry Variant Classification Scheme 2023. Collection method: clinical testing. Allele origin: germline.

Labcorp Genetics (formerly Invitae), Labcorp
Classification: Uncertain significance. Last evaluated: 2021-11-23. Review status: criteria provided, single submitter. Criteria: Invitae Variant Classification Sherloc (09022015). Collection method: clinical testing. Allele origin: germline.
Comment: This sequence change replaces serine, which is neutral and polar, with threonine, which is neutral and polar, at codon 28 of the NR2E3 protein (p.Ser28Thr). This variant is not present in population databases (gnomAD no frequency). This variant has not been reported in the literature in individuals affected with NR2E3-related conditions. Experimental studies and prediction algorithms are not available or were not evaluated, and the functional significance of this variant is currently unknown. In summary, the available evidence is currently insufficient to determine the role of this variant in disease. Therefore, it has been classified as a Variant of Uncertain Significance.

NM_014249.4(NR2E3):c.82T>A (p.Ser28Thr)

Gene: NR2E3 (nuclear receptor subfamily 2 group E member 3; plus strand). Cytogenetic location: 15q23.
Variant type: single nucleotide variant.
Coding change: c.82T>A on transcript NM_014249.4 (MANE Select); coding-DNA position 82, T replaced by A.
Protein change: p.Ser28Thr; replaces serine 28 with threonine.
Molecular consequence: missense variant.
Genome position (GRCh38, 1-based): chr15:71,810,825, T>A. VCF-style: chr15-71810825-T-A. GRCh37 (hg19) VCF-style: chr15-72103165-T-A.
Other names: c.82T>A (NM_014249.2); c.82T>A, p.Ser28Thr (NM_016346.4); short protein forms S28T.
Identifiers: ClinVar variation 1386326 (VCV001386326.5), dbSNP rs1036292834, ClinGen allele CA272574464.
Genomic context (GRCh38, chr15:71,810,825, plus strand): 5'-CTGATGAGCTCCACAGTGGCTGCAGCTGCGCCTGCAGCTGGGGCTGCCTCCAGGAAGGAG[T>A]CTCCAGGCAGATGGGGCCTGGGGGAGGATCCCACAGGTATGGCTTCTCCTGGAGGTAGGG-3'
Protein context (NP_055064.1, residues 18-38): PAAGAASRKE[Ser28Thr]PGRWGLGEDP